The following is an entry in ClinVar:

ClinVar aggregate classification (germline): Likely benign (1 of 4 stars; one submission).

Submission:

CeGaT Center for Human Genetics Tuebingen
Classification: Likely benign. Last evaluated: 2024-03-01. Review status: criteria provided, single submitter. Criteria: CeGaT Center For Human Genetics Tuebingen Variant Classification Criteria Version 2. Collection method: clinical testing. Allele origin: germline. Affected: yes. Observed: 1 variant allele.
Comment: USP9X: PM2:Supporting, BP4, BP7

NM_001039591.3(USP9X):c.2133A>G (p.Leu711=)

Gene: USP9X (ubiquitin specific peptidase 9 X-linked; plus strand). Cytogenetic location: Xp11.4.
Variant type: single nucleotide variant.
Coding change: c.2133A>G on transcript NM_001039591.3 (MANE Select); coding-DNA position 2133, A replaced by G.
Protein change: p.Leu711=; no amino-acid change (leucine 711 retained).
Molecular consequence: synonymous variant.
Genome position (GRCh38, 1-based): chrX:41,166,019, A>G. VCF-style: chrX-41166019-A-G. GRCh37 (hg19) VCF-style: chrX-41025272-A-G.
Other names: c.2133A>G, p.Leu711= (NM_001039590.3); c.2148A>G, p.Leu716= (NM_001410748.1, NM_001410749.1).
Identifiers: ClinVar variation 3067379 (VCV003067379.21), dbSNP rs2519212950, ClinGen allele CA516348510.